The following is an entry in ClinVar:

ClinVar aggregate classification (germline): Likely benign. Review status: criteria provided, multiple submitters, no conflicts (2 of 4 stars). 2 submissions from 2 submitters: Likely benign (2). Last evaluated 2025-12-30.

Conditions:
Diamond-Blackfan anemia. Also called: Blackfan Diamond syndrome; Aregenerative anemia chronic congenital; Red cell aplasia, pure hereditary; Congenital hypoplastic anemia; Aase syndrome. Identifiers: Orphanet 124, MedGen C1260899, MeSH D029503, MONDO:0015253, HP:0004810.

gnomAD v4.1: 10 of 1,614,012 alleles (0.00062%); highest among the groups gnomAD compares: African/African-American, 0.012%; no homozygotes.

Submissions (2):

Ambry Genetics
Classification: Likely benign for Diamond-Blackfan anemia. Last evaluated: 2025-12-30. Review status: criteria provided, single submitter. Criteria: Ambry Variant Classification Scheme 2023. Collection method: clinical testing. Allele origin: germline.

Women's Health and Genetics/Laboratory Corporation of America, LabCorp
Classification: Likely benign. Last evaluated: 2024-10-08. Review status: criteria provided, single submitter. Criteria: LabCorp Variant Classification Summary - May 2015. Collection method: clinical testing. Allele origin: germline.
Comment: Variant summary: RPL11 c.300A>C alters a non-conserved nucleotide resulting in a synonymous change. Consensus agreement among computation tools predict no significant impact on normal splicing. However, these predictions have yet to be confirmed by functional studies. The variant was absent in 251432 control chromosomes. The available data on variant occurrences in the general population are insufficient to allow any conclusion about variant significance. To our knowledge, no occurrence of c.300A>C in individuals affected with Diamond-Blackfan Anemia 7 and no experimental evidence demonstrating its impact on protein function have been reported. No submitters have cited clinical-significance assessments for this variant to ClinVar. Based on the evidence outlined above, the variant was classified as likely benign.

NM_000975.5(RPL11):c.300A>C (p.Ser100=)

Gene: RPL11 (ribosomal protein L11; plus strand). Cytogenetic location: 1p36.11.
Variant type: single nucleotide variant.
Coding change: c.300A>C on transcript NM_000975.5 (MANE Select); coding-DNA position 300, A replaced by C.
Protein change: p.Ser100=; no amino-acid change (serine 100 retained).
Molecular consequence: synonymous variant.
Genome position (GRCh38, 1-based): chr1:23,694,695, A>C. VCF-style: chr1-23694695-A-C. GRCh37 (hg19) VCF-style: chr1-24021185-A-C.
Other names: c.297A>C, p.Ser99= (NM_001199802.1); c.300A>C (NM_000975.3).
Identifiers: ClinVar variation 3384836 (VCV003384836.2).